The following is an entry in ClinVar:

NM_181776.3(SLC36A2):c.184_187del (p.His62fs)

Gene: SLC36A2 (solute carrier family 36 member 2; minus strand). Cytogenetic location: 5q33.1.
Variant type: Deletion.
Coding change: c.184_187del on transcript NM_181776.3 (MANE Select); coding-DNA positions 184 to 187, 4 bases deleted (CACC; older notation c.184_187delCACC).
Protein change: p.His62fs; shifts the reading frame from histidine 62.
Molecular consequence: frameshift variant.
Genome position (GRCh38, 1-based): chr5:151,344,245-151,344,248, GGTG deleted on the plus strand (CACC on the coding strand, the reverse complement: SLC36A2 is on the minus strand). VCF-style (leftmost placement, unchanged base first): chr5-151344244-AGGTG-A. GRCh37 (hg19) VCF-style: chr5-150723805-AGGTG-A.
Other names: short protein forms H62fs.
Identifiers: ClinVar variation 2052829 (VCV002052829.4), dbSNP rs780572288, ClinGen allele CA3518998.

ClinVar aggregate classification (germline): Uncertain significance (1 of 4 stars; one submission).

Allele frequency attached by ClinVar (database versions not stated): gnomAD exomes below 0.00001; ExAC 0.00001.

Submission:

Labcorp Genetics (formerly Invitae), Labcorp
Classification: Uncertain significance. Last evaluated: 2022-03-18. Review status: criteria provided, single submitter. Criteria: Invitae Variant Classification Sherloc (09022015). Collection method: clinical testing. Allele origin: germline.
Comment: This variant has not been reported in the literature in individuals affected with SLC36A2-related conditions. This sequence change creates a premature translational stop signal (p.His62Trpfs*2) in the SLC36A2 gene. It is expected to result in an absent or disrupted protein product. However, the current clinical and genetic evidence is not sufficient to establish whether loss-of-function variants in SLC36A2 cause disease. This variant is present in population databases (rs780572288, gnomAD 0.0009%). In summary, the available evidence is currently insufficient to determine the role of this variant in disease. Therefore, it has been classified as a Variant of Uncertain Significance.